The following is an entry in ClinVar:

NM_001083614.2(EARS2):c.[1279_1280insTCC;502A>G]

Variant type: Haplotype.
Identifiers: ClinVar variation 39788 (VCV000039788.1).

ClinVar aggregate classification (germline): Pathogenic (0 of 4 stars; one submission).

Conditions:
Leukoencephalopathy-thalamus and brainstem anomalies-high lactate syndrome. Also called: Combined oxidative phosphorylation deficiency 12; LEUKOENCEPHALOPATHY WITH THALAMUS AND BRAINSTEM INVOLVEMENT AND HIGH LACTATE. Identifiers: Orphanet 314051, MedGen C4706421, MONDO:0013971, OMIM 614924.

Submission:

OMIM
Classification: Pathogenic for COMBINED OXIDATIVE PHOSPHORYLATION DEFICIENCY 12. Last evaluated: 2012-05-01. Review status: no assertion criteria provided. Collection method: literature only. Allele origin: germline.

Literature cited by the submitters: PubMed 22492562.